The following is an entry in ClinVar:

NM_004700.4(KCNQ4):c.1250C>T (p.Thr417Ile)

Gene: KCNQ4 (potassium voltage-gated channel subfamily Q member 4; plus strand). Cytogenetic location: 1p34.2.
Variant type: single nucleotide variant.
Coding change: c.1250C>T on transcript NM_004700.4 (MANE Select); coding-DNA position 1250, C replaced by T.
Protein change: p.Thr417Ile; replaces threonine 417 with isoleucine.
Molecular consequence: missense variant. On other transcripts: intron variant (1).
Genome position (GRCh38, 1-based): chr1:40,824,216, C>T. VCF-style: chr1-40824216-C-T. GRCh37 (hg19) VCF-style: chr1-41289888-C-T.
Other names: c.1130+1814C>T (NM_172163.3); short protein forms T417I.
Identifiers: ClinVar variation 1720493 (VCV001720493.5), dbSNP rs1242348221, ClinGen allele CA339898142.
Genomic context (GRCh38, chr1:40,824,216, plus strand): 5'-TGGAGGTGCGGCGGGCGCCGGTACCCGACGGAGCACCCTCCCGTTACCCGCCCGTTGCCA[C>T]CTGCCACCGGCCGGGCAGCACCTCCTTCTGCCCTGGGGAAAGGTAGGGGCCCCGTGGGGC-3'
Protein context (NP_004691.2, residues 407-427): GAPSRYPPVA[Thr417Ile]CHRPGSTSFC

ClinVar aggregate classification (germline): Uncertain significance (1 of 4 stars; one submission).

Allele frequency attached by ClinVar (database versions not stated): gnomAD exomes below 0.00001.
gnomAD v4.1: 1 of 1,605,762 alleles (0.000062%); highest among the groups gnomAD compares: Non-Finnish European, 0.000085%; no homozygotes.

Submission:

Labcorp Genetics (formerly Invitae), Labcorp
Classification: Uncertain significance. Last evaluated: 2022-09-27. Review status: criteria provided, single submitter. Criteria: Invitae Variant Classification Sherloc (09022015). Collection method: clinical testing. Allele origin: germline.
Comment: In summary, the available evidence is currently insufficient to determine the role of this variant in disease. Therefore, it has been classified as a Variant of Uncertain Significance. Advanced modeling of protein sequence and biophysical properties (such as structural, functional, and spatial information, amino acid conservation, physicochemical variation, residue mobility, and thermodynamic stability) performed at Invitae indicates that this missense variant is not expected to disrupt KCNQ4 protein function. This variant has not been reported in the literature in individuals affected with KCNQ4-related conditions. This variant is not present in population databases (gnomAD no frequency). This sequence change replaces threonine, which is neutral and polar, with isoleucine, which is neutral and non-polar, at codon 417 of the KCNQ4 protein (p.Thr417Ile).